The following is an entry in ClinVar:

NM_003922.4(HERC1):c.14138C>T (p.Pro4713Leu)

Gene: HERC1 (HECT and RLD domain containing E3 ubiquitin protein ligase family member 1; minus strand). Cytogenetic location: 15q22.31.
Variant type: single nucleotide variant.
Coding change: c.14138C>T on transcript NM_003922.4 (MANE Select); coding-DNA position 14138, C replaced by T.
Protein change: p.Pro4713Leu; replaces proline 4713 with leucine.
Molecular consequence: missense variant.
Genome position (GRCh38, 1-based): chr15:63,612,513, G>A on the plus strand (C>T on the coding strand, the complement: HERC1 is on the minus strand). VCF-style: chr15-63612513-G-A. GRCh37 (hg19) VCF-style: chr15-63904712-G-A.
Other names: short protein forms P4713L.
Identifiers: ClinVar variation 1339614 (VCV001339614.6), dbSNP rs566874445, ClinGen allele CA7603542.
Genomic context (GRCh38, chr15:63,612,513, plus strand): 5'-ATCTCGGGCATCCCACACACCATCTGCTCCAGTTGTTTTGCTGTGAGGAGGGACAGCAGC[G>A]GCACAGGAACAATCCAGGACATCCCTTCTCGGACTGCAGCCACCTGCTCCCGGGAGAGGT-3'
Protein context (NP_003913.3, residues 4703-4723): REGMSWIVPV[Pro4713Leu]LLSLLTAKQL

ClinVar aggregate classification (germline): Uncertain significance. Review status: criteria provided, multiple submitters, no conflicts (2 of 4 stars). 3 submissions from 3 submitters: Uncertain significance (2). 1 of the submissions does not count toward it. Last evaluated 2025-06-24.

Conditions:
HERC1-related disorder. Also called: HERC1-related condition.
Inborn genetic diseases. Identifiers: MedGen C0950123, MeSH D030342.

Allele frequency attached by ClinVar (database versions not stated): 1000 Genomes Project 30x 0.00031; gnomAD 0.00001; TOPMed 0.00002; gnomAD exomes 0.00003; ExAC 0.00005; 1000 Genomes Project 0.00020.
gnomAD v4.1: 25 of 1,613,986 alleles (0.0015%); highest among the groups gnomAD compares: East Asian, 0.0045%; no homozygotes.

Submissions (3):

GeneDx
Classification: Uncertain significance. Last evaluated: 2025-06-24. Review status: criteria provided, single submitter. Criteria: GeneDx Variant Classification Process June 2021. Collection method: clinical testing. Allele origin: germline. Affected: yes.
Comment: In silico analysis supports that this missense variant has a deleterious effect on protein structure/function; Has not been previously published as pathogenic or benign to our knowledge

Ambry Genetics
Classification: Uncertain significance for Inborn genetic diseases. Last evaluated: 2021-10-22. Review status: criteria provided, single submitter. Criteria: Ambry Variant Classification Scheme 2023. Collection method: clinical testing. Allele origin: germline.

PreventionGenetics, part of Exact Sciences
Classification: Uncertain significance for HERC1-related condition. Last evaluated: 2024-06-20. Review status: no assertion criteria provided. Collection method: clinical testing. Allele origin: germline. Not counted in ClinVar's aggregate classification.
Comment: The HERC1 c.14138C>T variant is predicted to result in the amino acid substitution p.Pro4713Leu. To our knowledge, this variant has not been reported in the literature. This variant is reported in 0.017% of alleles in individuals of East Asian descent in gnomAD. At this time, the clinical significance of this variant is uncertain due to the absence of conclusive functional and genetic evidence.